The following is an entry in ClinVar:

ClinVar aggregate classification (germline): Uncertain significance (1 of 4 stars; one submission).

Allele frequency attached by ClinVar (database versions not stated): gnomAD exomes below 0.00001; TOPMed 0.00001.
gnomAD v4.1: 2 of 1,614,034 alleles (0.00012%); highest among the groups gnomAD compares: Non-Finnish European, 0.00017%; no homozygotes.

Submission:

Labcorp Genetics (formerly Invitae), Labcorp
Classification: Uncertain significance. Last evaluated: 2022-08-27. Review status: criteria provided, single submitter. Criteria: Invitae Variant Classification Sherloc (09022015). Collection method: clinical testing. Allele origin: germline.
Comment: This sequence change replaces glutamic acid, which is acidic and polar, with glycine, which is neutral and non-polar, at codon 2413 of the CDH23 protein (p.Glu2413Gly). This variant is not present in population databases (gnomAD no frequency). This missense change has been observed in individual(s) with clinical features of Usher syndrome (Invitae). Algorithms developed to predict the effect of missense changes on protein structure and function are either unavailable or do not agree on the potential impact of this missense change (SIFT: "Deleterious"; PolyPhen-2: "Not Available"; Align-GVGD: "Class C65"). In summary, the available evidence is currently insufficient to determine the role of this variant in disease. Therefore, it has been classified as a Variant of Uncertain Significance.

NM_022124.6(CDH23):c.7238A>G (p.Glu2413Gly)

Gene: CDH23 (cadherin related 23; plus strand). Cytogenetic location: 10q22.1.
Variant type: single nucleotide variant.
Coding change: c.7238A>G on transcript NM_022124.6 (MANE Select); coding-DNA position 7238, A replaced by G.
Protein change: p.Glu2413Gly; replaces glutamic acid 2413 with glycine.
Molecular consequence: missense variant.
Genome position (GRCh38, 1-based): chr10:71,799,505, A>G. VCF-style: chr10-71799505-A-G. GRCh37 (hg19) VCF-style: chr10-73559262-A-G.
Other names: c.518A>G, p.Glu173Gly (NM_001171933.1, NM_001171934.1); short protein forms E2413G, E173G.
Identifiers: ClinVar variation 2090370 (VCV002090370.4), dbSNP rs1483539544, ClinGen allele CA377159154.